The following is an entry in ClinVar:

ClinVar aggregate classification (germline): Uncertain significance. Review status: no assertion criteria provided (0 of 4 stars). 2 submissions from 1 submitter: Uncertain significance (1). 1 of the submissions does not count toward it.

Submissions (2):

Richard Lifton Laboratory, Yale University School of Medicine
Classification: Uncertain significance. Review status: no assertion criteria provided. Collection method: not provided. Allele origin: somatic.
Comment: ST3GAL5:p.T238T
ClinVar note: Converted during submission from unknown to Uncertain significance.

Richard Lifton Laboratory, Yale University School of Medicine
Classification: Uncertain significance. Review status: flagged submission. Collection method: not provided. Allele origin: somatic. Not counted in ClinVar's aggregate classification.
ClinVar note: Converted during submission from unknown to Uncertain significance.
ClinVar note: Reason: This record appears to be redundant with a more recent record from the same submitter.
ClinVar note: Notes: SCV000120072 appears to be redundant with SCV000155176.

NM_003896.4(ST3GAL5):c.714T>C (p.Thr238=)

Gene: ST3GAL5 (ST3 beta-galactoside alpha-2,3-sialyltransferase 5; minus strand). Cytogenetic location: 2p11.2.
Variant type: single nucleotide variant.
Coding change: c.714T>C on transcript NM_003896.4 (MANE Select); coding-DNA position 714, T replaced by C.
Protein change: p.Thr238=; no amino-acid change (threonine 238 retained).
Molecular consequence: synonymous variant. On other transcripts: 5 prime UTR variant (1).
Genome position (GRCh38, 1-based): chr2:85,846,512, A>G on the plus strand (T>C on the coding strand, the complement: ST3GAL5 is on the minus strand). VCF-style: chr2-85846512-A-G. GRCh37 (hg19) VCF-style: chr2-86073635-A-G.
Other names: c.645T>C, p.Thr215= (NM_001042437.2); c.330T>C, p.Thr110= (NM_001354223.2, NM_001354224.2, NM_001354226.2 and 3 more transcripts); c.630T>C, p.Thr210= (NM_001354227.2, NM_001354229.2, NM_001354238.1); c.-10T>C (NM_001354247.1); c.714T>C, p.Thr238= (NM_001363847.1).
Identifiers: ClinVar variation 100848 (VCV000100848.2), dbSNP rs483352727, ClinGen allele CA229121.